The following is an entry in ClinVar:

NM_000321.3(RB1):c.1999G>A (p.Glu667Lys)

Gene: RB1 (RB transcriptional corepressor 1; plus strand). Cytogenetic location: 13q14.2.
Variant type: single nucleotide variant.
Coding change: c.1999G>A on transcript NM_000321.3 (MANE Select); coding-DNA position 1999, G replaced by A.
Protein change: p.Glu667Lys; replaces glutamic acid 667 with lysine.
Molecular consequence: missense variant.
Genome position (GRCh38, 1-based): chr13:48,459,726, G>A. VCF-style: chr13-48459726-G-A. GRCh37 (hg19) VCF-style: chr13-49033862-G-A.
Other names: c.1999G>A, p.Glu667Lys (NM_001407165.1); short protein forms E667K.
Identifiers: ClinVar variation 3943312 (VCV003943312.1).
Genomic context (GRCh38, chr13:48,459,726, plus strand): 5'-CTAATTTTTCTTATTCCCACAGTGTATCGGCTAGCCTATCTCCGGCTAAATACACTTTGT[G>A]AACGCCTTCTGTCTGAGCACCCAGAATTAGAACATATCATCTGGACCCTTTTCCAGCACA-3'
Protein context (NP_000312.2, residues 657-677): LAYLRLNTLC[Glu667Lys]RLLSEHPELE

ClinVar aggregate classification (germline): Uncertain significance (1 of 4 stars; one submission).

Conditions:
Hereditary cancer-predisposing syndrome. Also called: Tumor predisposition; Hereditary neoplastic syndrome; Hereditary Cancer Syndrome; Neoplastic Syndromes, Hereditary. Identifiers: Orphanet 140162, MedGen C0027672, MeSH D009386, MONDO:0015356.

Submission:

Ambry Genetics
Classification: Uncertain significance for Hereditary cancer-predisposing syndrome. Last evaluated: 2025-04-10. Review status: criteria provided, single submitter. Criteria: Ambry Variant Classification Scheme 2023. Collection method: clinical testing. Allele origin: germline.
Comment: The p.E667K variant (also known as c.1999G>A), located in coding exon 20 of the RB1 gene, results from a G to A substitution at nucleotide position 1999. The glutamic acid at codon 667 is replaced by lysine, an amino acid with similar properties. This amino acid position is conserved. In addition, this alteration is predicted to be tolerated by in silico analysis. Based on the available evidence, the clinical significance of this variant remains unclear.